The following is an entry in ClinVar:

NM_001458.5(FLNC):c.587A>T (p.Asp196Val)

Gene: FLNC (filamin C; plus strand). Cytogenetic location: 7q32.1.
Variant type: single nucleotide variant.
Coding change: c.587A>T on transcript NM_001458.5 (MANE Select); coding-DNA position 587, A replaced by T.
Protein change: p.Asp196Val; replaces aspartic acid 196 with valine.
Molecular consequence: missense variant.
Genome position (GRCh38, 1-based): chr7:128,835,560, A>T. VCF-style: chr7-128835560-A-T. GRCh37 (hg19) VCF-style: chr7-128475614-A-T.
Other names: c.587A>T, p.Asp196Val (NM_001127487.2); short protein forms D196V.
Identifiers: ClinVar variation 1061814 (VCV001061814.9), dbSNP rs2128933694, ClinGen allele CA369219795.

ClinVar aggregate classification (germline): Uncertain significance (1 of 4 stars; one submission).

Conditions:
Distal myopathy with posterior leg and anterior hand involvement. Also called: WILLIAMS DISTAL MYOPATHY. Identifiers: Orphanet 63273, MedGen C3279722, MONDO:0013550, OMIM 614065.
Myofibrillar myopathy 5. Also called: Filaminopathy (type); FILAMINOPATHY, AUTOSOMAL DOMINANT. Identifiers: Orphanet 171445, MedGen C1836050, MONDO:0012289, OMIM 609524.
Hypertrophic cardiomyopathy 26. Also called: Cardiomyopathy, familial hypertrophic, 26. Identifiers: Orphanet 75249, MedGen C4310749, MONDO:0014883, OMIM 617047.

Submission:

Labcorp Genetics (formerly Invitae), Labcorp
Classification: Uncertain significance for Distal myopathy with posterior leg and anterior hand involvement; Myofibrillar myopathy 5; Hypertrophic cardiomyopathy 26. Last evaluated: 2022-09-06. Review status: criteria provided, single submitter. Criteria: Invitae Variant Classification Sherloc (09022015). Collection method: clinical testing. Allele origin: germline.
Comment: ClinVar contains an entry for this variant (Variation ID: 1061814). This variant has not been reported in the literature in individuals affected with FLNC-related conditions. This variant is not present in population databases (gnomAD no frequency). This sequence change replaces aspartic acid, which is acidic and polar, with valine, which is neutral and non-polar, at codon 196 of the FLNC protein (p.Asp196Val). In summary, the available evidence is currently insufficient to determine the role of this variant in disease. Therefore, it has been classified as a Variant of Uncertain Significance. Algorithms developed to predict the effect of missense changes on protein structure and function are either unavailable or do not agree on the potential impact of this missense change (SIFT: "Deleterious"; PolyPhen-2: "Probably Damaging"; Align-GVGD: "Class C0").